The following is an entry in ClinVar:

NM_016035.5(COQ4):c.94G>T (p.Asp32Tyr)

Gene: COQ4 (coenzyme Q4; plus strand). Cytogenetic location: 9q34.11.
Variant type: single nucleotide variant.
Coding change: c.94G>T on transcript NM_016035.5 (MANE Select); coding-DNA position 94, G replaced by T.
Protein change: p.Asp32Tyr; replaces aspartic acid 32 with tyrosine.
Molecular consequence: missense variant.
Genome position (GRCh38, 1-based): chr9:128,323,039, G>T. VCF-style: chr9-128323039-G-T. GRCh37 (hg19) VCF-style: chr9-131085318-G-T.
Other names: c.94G>T, p.Asp32Tyr (NM_001305942.2); short protein forms D32Y.
Identifiers: ClinVar variation 2057745 (VCV002057745.4), dbSNP rs2539410210, ClinGen allele CA375017301.

ClinVar aggregate classification (germline): Uncertain significance (1 of 4 stars; one submission).

Conditions:
Neonatal encephalomyopathy-cardiomyopathy-respiratory distress syndrome. Also called: Coenzyme Q10 deficiency, primary, 7. Identifiers: Orphanet 457185, MedGen C5568562, MONDO:0014562, OMIM 616276.

Allele frequency attached by ClinVar (database versions not stated): gnomAD exomes below 0.00001.
gnomAD v4.1: 1 of 1,612,000 alleles (0.000062%); highest among the groups gnomAD compares: Non-Finnish European, 0.000085%; no homozygotes.

Submission:

Labcorp Genetics (formerly Invitae), Labcorp
Classification: Uncertain significance for Neonatal encephalomyopathy-cardiomyopathy-respiratory distress syndrome. Last evaluated: 2024-01-02. Review status: criteria provided, single submitter. Criteria: Invitae Variant Classification Sherloc (09022015). Collection method: clinical testing. Allele origin: germline.
Comment: This sequence change replaces aspartic acid, which is acidic and polar, with tyrosine, which is neutral and polar, at codon 32 of the COQ4 protein (p.Asp32Tyr). This variant is not present in population databases (gnomAD no frequency). This variant has not been reported in the literature in individuals affected with COQ4-related conditions. ClinVar contains an entry for this variant (Variation ID: 2057745). Advanced modeling of protein sequence and biophysical properties (such as structural, functional, and spatial information, amino acid conservation, physicochemical variation, residue mobility, and thermodynamic stability) has been performed at Invitae for this missense variant, however the output from this modeling did not meet the statistical confidence thresholds required to predict the impact of this variant on COQ4 protein function. In summary, the available evidence is currently insufficient to determine the role of this variant in disease. Therefore, it has been classified as a Variant of Uncertain Significance.